The following is an entry in ClinVar:

NM_032242.4(PLXNA1):c.3568G>A (p.Val1190Met)

Gene: PLXNA1 (plexin A1; plus strand). Cytogenetic location: 3q21.3.
Variant type: single nucleotide variant.
Coding change: c.3568G>A on transcript NM_032242.4 (MANE Select); coding-DNA position 3568, G replaced by A.
Protein change: p.Val1190Met; replaces valine 1190 with methionine.
Molecular consequence: missense variant.
Genome position (GRCh38, 1-based): chr3:127,017,800, G>A. VCF-style: chr3-127017800-G-A. GRCh37 (hg19) VCF-style: chr3-126736643-G-A.
Other names: short protein forms V1190M.
Identifiers: ClinVar variation 4985580 (VCV004985580.1).

ClinVar aggregate classification (germline): Uncertain significance (1 of 4 stars; one submission).

Conditions:
PLXNA1-related disorder. Also called: PLXNA1-related condition.

Submission:

PreventionGenetics, part of Exact Sciences
Classification: Uncertain significance for PLXNA1-related condition. Last evaluated: 2025-02-05. Review status: criteria provided, single submitter. Criteria: ACMG Guidelines, 2015. Collection method: clinical testing. Allele origin: germline.
Comment: The PLXNA1 c.3568G>A variant is predicted to result in the amino acid substitution p.Val1190Met. To our knowledge, this variant has not been reported in the literature or in a large population database (gnomAD), indicating this variant is rare. At this time, the clinical significance of this variant is uncertain due to the absence of conclusive functional and genetic evidence.